The following is an entry in ClinVar:

ClinVar aggregate classification (germline): Uncertain significance. Review status: criteria provided, multiple submitters, no conflicts (2 of 4 stars). 2 submissions from 2 submitters: Uncertain significance (2). Last evaluated 2025-08-29.

Conditions:
Hereditary cancer-predisposing syndrome. Also called: Neoplastic Syndromes, Hereditary; Tumor predisposition; Hereditary Cancer Syndrome; Hereditary neoplastic syndrome. Identifiers: Orphanet 140162, MedGen C0027672, MeSH D009386, MONDO:0015356.
Cardiovascular phenotype. Identifiers: MedGen CN230736.

Allele frequency attached by ClinVar (database versions not stated): gnomAD exomes below 0.00001; ExAC 0.00001; TOPMed 0.00001.
gnomAD v4.1: 6 of 1,606,430 alleles (0.00037%); highest among the groups gnomAD compares: African/African-American, 0.0013%; no homozygotes.

Submissions (2):

Labcorp Genetics (formerly Invitae), Labcorp
Classification: Uncertain significance. Last evaluated: 2025-08-29. Review status: criteria provided, single submitter. Criteria: Invitae Variant Classification Sherloc (09022015). Collection method: clinical testing. Allele origin: germline.
Comment: This sequence change replaces isoleucine, which is neutral and non-polar, with threonine, which is neutral and polar, at codon 647 of the LZTR1 protein (p.Ile647Thr). This variant is not present in population databases (gnomAD no frequency). This variant has not been reported in the literature in individuals affected with LZTR1-related conditions. ClinVar contains an entry for this variant (Variation ID: 1783051). An algorithm developed to predict the effect of missense changes on protein structure and function (PolyPhen-2) suggests that this variant is likely to be tolerated. In summary, the available evidence is currently insufficient to determine the role of this variant in disease. Therefore, it has been classified as a Variant of Uncertain Significance.

Ambry Genetics
Classification: Uncertain significance for Cardiovascular phenotype; Hereditary cancer-predisposing syndrome. Last evaluated: 2024-10-26. Review status: criteria provided, single submitter. Criteria: Ambry Variant Classification Scheme 2023. Collection method: clinical testing. Allele origin: germline.
Comment: The p.I647T variant (also known as c.1940T>C), located in coding exon 16 of the LZTR1 gene, results from a T to C substitution at nucleotide position 1940. The isoleucine at codon 647 is replaced by threonine, an amino acid with similar properties. This amino acid position is highly conserved in available vertebrate species. In addition, the in silico prediction for this alteration is inconclusive. Based on the available evidence, the clinical significance of this variant remains unclear.

NM_006767.4(LZTR1):c.1940T>C (p.Ile647Thr)

Gene: LZTR1 (leucine zipper like post translational regulator 1; plus strand). Cytogenetic location: 22q11.21.
Variant type: single nucleotide variant.
Coding change: c.1940T>C on transcript NM_006767.4 (MANE Select); coding-DNA position 1940, T replaced by C.
Protein change: p.Ile647Thr; replaces isoleucine 647 with threonine.
Molecular consequence: missense variant.
Genome position (GRCh38, 1-based): chr22:20,995,024, T>C. VCF-style: chr22-20995024-T-C. GRCh37 (hg19) VCF-style: chr22-21349313-T-C.
Other names: short protein forms I647T.
Identifiers: ClinVar variation 1783051 (VCV001783051.8), dbSNP rs759404919, ClinGen allele CA10119109.